The following is an entry in ClinVar:

ClinVar aggregate classification (germline): Conflicting classifications of pathogenicity. Review status: criteria provided, conflicting classifications (1 of 4 stars). 16 submissions from 16 submitters: Uncertain significance (1); Benign (3); Likely benign (9). 3 of the submissions do not count toward it. Last evaluated 2026-02-01.

Conditions:
TSC2-related disorder. Also called: TSC2-related condition; TSC2-Related Disorders.
Hereditary cancer-predisposing syndrome. Also called: Hereditary Cancer Syndrome; Tumor predisposition; Neoplastic Syndromes, Hereditary; Hereditary neoplastic syndrome. Identifiers: Orphanet 140162, MedGen C0027672, MeSH D009386, MONDO:0015356.
Ovarian cancer. Also called: OVARIAN CANCER, SOMATIC. Identifiers: Orphanet 213500, MedGen C1140680, MONDO:0008170, OMIM 167000.
Polycystic kidney disease, adult type (PKD1). Also called: Polycystic Kidney, Autosomal Dominant; POLYCYSTIC KIDNEY DISEASE 1 WITH OR WITHOUT POLYCYSTIC LIVER DISEASE; Polycystic Kidney Disease 1, Autosomal Dominant; Polycystic kidney disease 1; Polycystic kidney disease 1, severe; POLYCYSTIC KIDNEY DISEASE, ADULT, TYPE I. Identifiers: MedGen C3149841, MONDO:0008263, OMIM 173900.
Tuberous sclerosis syndrome (TSC). Also called: Tuberous Sclerosis Complex; Tuberous sclerosis. Identifiers: Orphanet 805, MedGen C0041341, MONDO:0001734.
Tuberous sclerosis 2 (TSC2). Identifiers: Orphanet 805, MedGen C1860707, MONDO:0013199, OMIM 613254.

Allele frequency attached by ClinVar (database versions not stated): gnomAD 0.00007 and 0.00006; gnomAD exomes 0.00008; TOPMed 0.00010; 1000 Genomes Project 30x 0.00016; 1000 Genomes Project 0.00020; ExAC 0.00006.
gnomAD v4.1: 154 of 1,612,878 alleles (0.0095%); highest among the groups gnomAD compares: Middle Eastern, 0.049%; no homozygotes.

Submissions (16):

Labcorp Genetics (formerly Invitae), Labcorp
Classification: Benign for Tuberous sclerosis 2. Last evaluated: 2026-02-01. Review status: criteria provided, single submitter. Criteria: Invitae Variant Classification Sherloc (09022015). Collection method: clinical testing. Allele origin: germline.

CeGaT Center for Human Genetics Tuebingen
Classification: Likely benign. Last evaluated: 2025-08-01. Review status: criteria provided, single submitter. Criteria: CeGaT Center For Human Genetics Tuebingen Variant Classification Criteria Version 2. Collection method: clinical testing. Allele origin: germline. Affected: yes. Observed: 3 variant alleles.
Comment: TSC2: BS2

Myriad Genetics, Inc.
Classification: Likely benign for Tuberous sclerosis 2. Last evaluated: 2025-06-06. Review status: criteria provided, single submitter. Criteria: Myriad Autosomal Dominant, Autosomal Recessive and X-Linked Classification Criteria (2023). Collection method: clinical testing. Allele origin: unknown.
Comment: This variant is considered likely benign. This variant has been observed at a population frequency that is significantly greater than expected given the associated disease prevalence and penetrance.

KCCC/NGS Laboratory, Kuwait Cancer Control Center
Classification: Benign for Polycystic kidney disease, adult type. Last evaluated: 2025-02-01. Review status: criteria provided, single submitter. Criteria: ACMG Guidelines, 2015. Collection method: clinical testing. Allele origin: germline. Affected: no.

Blueprint Genetics
Classification: Likely benign. Last evaluated: 2024-10-31. Review status: criteria provided, single submitter. Criteria: ACMG Guidelines, 2015. Collection method: clinical testing. Allele origin: germline.

Genomic Medicine Center of Excellence, King Faisal Specialist Hospital and Research Centre
Classification: Likely benign for Tuberous sclerosis 2. Last evaluated: 2024-09-22. Review status: criteria provided, single submitter. Criteria: ACMG Guidelines, 2015. Collection method: clinical testing. Allele origin: germline.

Color Diagnostics, LLC DBA Color Health
Classification: Uncertain significance for Tuberous sclerosis syndrome. Last evaluated: 2023-11-29. Review status: criteria provided, single submitter. Criteria: ACMG Guidelines, 2015. Collection method: clinical testing. Allele origin: germline.
Comment: This missense variant replaces arginine with histidine at codon 1706 of the TSC2 protein. Computational prediction is inconclusive regarding the impact of this variant on protein structure and function (internally defined REVEL score threshold 0.5 < inconclusive < 0.7, PMID: 27666373). To our knowledge, functional studies have not been reported for this variant. This variant has been reported in individuals affected with renal carcinoma in the literature (PMID: 32830346). This variant has been identified in 22/281760 chromosomes in the general population by the Genome Aggregation Database (gnomAD). The available evidence is insufficient to determine the role of this variant in disease conclusively. Therefore, this variant is classified as a Variant of Uncertain Significance.

ARUP Laboratories, Molecular Genetics and Genomics, ARUP Laboratories
Classification: Likely benign. Last evaluated: 2022-08-23. Review status: criteria provided, single submitter. Criteria: ARUP Molecular Germline Variant Investigation Process 2021. Collection method: clinical testing. Allele origin: germline.

Laboratory of Molecular Epidemiology of Birth Defects, West China Second University Hospital, Sichuan University
Classification: Benign for Ovarian cancer. Last evaluated: 2022-01-01. Review status: criteria provided, single submitter. Criteria: ACMG Guidelines, 2015. Collection method: clinical testing. Allele origin: germline. Affected: yes.

Genome-Nilou Lab
Classification: Likely benign for Tuberous sclerosis 2. Last evaluated: 2021-11-07. Review status: criteria provided, single submitter. Criteria: ACMG Guidelines, 2015. Collection method: clinical testing. Allele origin: germline. Affected: no.

Ambry Genetics
Classification: Likely benign for Hereditary cancer-predisposing syndrome. Last evaluated: 2021-07-23. Review status: criteria provided, single submitter. Criteria: Ambry Variant Classification Scheme 2023. Collection method: clinical testing. Allele origin: germline.

Sema4
Classification: Likely benign for Hereditary cancer-predisposing syndrome. Last evaluated: 2021-06-30. Review status: criteria provided, single submitter. Criteria: Sema4 Curation Guidelines. Collection method: curation. Allele origin: germline.

GeneDx
Classification: Likely benign. Last evaluated: 2021-06-23. Review status: criteria provided, single submitter. Criteria: GeneDx Variant Classification Process June 2021. Collection method: clinical testing. Allele origin: germline. Affected: yes.
Comment: This variant is associated with the following publications: (PMID: 25186949, 27535533, 27170661, 32830346)

PreventionGenetics, part of Exact Sciences
Classification: Likely benign for TSC2-related condition. Last evaluated: 2024-02-20. Review status: no assertion criteria provided. Collection method: clinical testing. Allele origin: germline. Not counted in ClinVar's aggregate classification.
Comment: This variant is classified as likely benign based on ACMG/AMP sequence variant interpretation guidelines (Richards et al. 2015 PMID: 25741868, with internal and published modifications).

Clinical Genetics DNA and cytogenetics Diagnostics Lab, Erasmus MC, Erasmus Medical Center
Classification: Likely benign. Review status: no assertion criteria provided. Collection method: clinical testing. Allele origin: germline. Affected: yes. Study: VKGL Data-share Consensus. Not counted in ClinVar's aggregate classification.

Tuberous sclerosis database (TSC2)
No classification provided. Condition: TSC. Review status: no classification provided. Criteria: Tuberous Sclerosis Database Assertion Criteria 2015. Collection method: curation. Allele origin: germline. Affected: yes. Not counted in ClinVar's aggregate classification.

Literature cited by the submitters: PubMed 32830346 (cited by Color Diagnostics, LLC DBA Color Health and Sema4).

NM_000548.5(TSC2):c.5117G>A (p.Arg1706His)

Genes: PKD1 (polycystin 1, transient receptor potential channel interacting; minus strand), TSC2 (TSC complex subunit 2; plus strand). Cytogenetic location: 16p13.3.
Variant type: single nucleotide variant.
Coding change: c.5117G>A on transcript NM_000548.5 (MANE Select); coding-DNA position 5117, G replaced by A.
Protein change: p.Arg1706His; replaces arginine 1706 with histidine.
Molecular consequence: missense variant.
Genome position (GRCh38, 1-based): chr16:2,088,096, G>A. VCF-style: chr16-2088096-G-A. GRCh37 (hg19) VCF-style: chr16-2138097-G-A.
Other names: p.R1706H:CGC>CAC; c.4988G>A, p.Arg1663His (NM_021055.3, NM_001370405.1); c.4916G>A, p.Arg1639His (NM_001077183.3); c.5048G>A, p.Arg1683His (NM_001114382.3); c.4808G>A, p.Arg1603His (NM_001318827.2); c.4772G>A, p.Arg1591His (NM_001318829.2); c.4385G>A, p.Arg1462His (NM_001318831.2); c.4949G>A, p.Arg1650His (NM_001318832.2); and 3 more; short protein forms R1706H, R1662H, R1683H, R1462H, R1640H, R1650H, R1591H, R1603H.
Identifiers: ClinVar variation 49456 (VCV000049456.73), dbSNP rs45517392, ClinGen allele CA021767.